The following is an entry in ClinVar:

NM_000059.4(BRCA2):c.32_33delinsA (p.Phe11fs)

Gene: BRCA2 (BRCA2 DNA repair associated; plus strand). Cytogenetic location: 13q13.1.
Variant type: Indel.
Coding change: c.32_33delinsA on transcript NM_000059.4 (MANE Select); coding-DNA positions 32 to 33, TT replaced by A.
Protein change: p.Phe11fs; shifts the reading frame from phenylalanine 11.
Molecular consequence: frameshift variant.
Genome position (GRCh38, 1-based): chr13:32,316,492-32,316,493, TT replaced by A. VCF-style: chr13-32316492-TT-A. GRCh37 (hg19) VCF-style: chr13-32890629-TT-A.
Other names: c.32_33delTTinsA (NM_000059.3); short protein forms F11fs.
Identifiers: ClinVar variation 481569 (VCV000481569.5), dbSNP rs1555280102, ClinGen allele CA658656321.
Genomic context (GRCh38, chr13:32,316,492, plus strand): 5'-CAAGCATTGGAGGAATATCGTAGGTAAAAATGCCTATTGGATCCAAAGAGAGGCCAACAT[TT>A]TTTGAAATTTTTAAGACACGCTGCAACAAAGCAGGTATTGACAAATTTTATATAACTTTA-3'

ClinVar aggregate classification (germline): Pathogenic (1 of 4 stars; one submission).

Conditions:
Hereditary cancer-predisposing syndrome. Also called: Neoplastic Syndromes, Hereditary; Tumor predisposition; Hereditary Cancer Syndrome; Hereditary neoplastic syndrome. Identifiers: Orphanet 140162, MedGen C0027672, MeSH D009386, MONDO:0015356.

Submission:

Ambry Genetics
Classification: Pathogenic for Hereditary cancer-predisposing syndrome. Last evaluated: 2016-08-30. Review status: criteria provided, single submitter. Criteria: Ambry Variant Classification Scheme 2023. Collection method: clinical testing. Allele origin: germline.
Comment: The c.32_33delTTinsA pathogenic mutation, located in coding exon 1 of the BRCA2 gene, results from the deletion of two nucleotides and insertion of one nucleotide at positions 32 to 33, causing a translational frameshift with a predicted alternate stop codon. This alteration is expected to result in loss of function by premature protein truncation or nonsense-mediated mRNA decay. As such, this alteration is interpreted as a disease-causing mutation.